The following is an entry in ClinVar:

NM_012330.4(KAT6B):c.5813C>T (p.Thr1938Ile)

Gene: KAT6B (lysine acetyltransferase 6B; plus strand). Cytogenetic location: 10q22.2.
Variant type: single nucleotide variant.
Coding change: c.5813C>T on transcript NM_012330.4 (MANE Select); coding-DNA position 5813, C replaced by T.
Protein change: p.Thr1938Ile; replaces threonine 1938 with isoleucine.
Molecular consequence: missense variant.
Genome position (GRCh38, 1-based): chr10:75,030,637, C>T. VCF-style: chr10-75030637-C-T. GRCh37 (hg19) VCF-style: chr10-76790395-C-T.
Other names: c.5264C>T, p.Thr1755Ile (NM_001256468.2, NM_001370138.1); c.4937C>T, p.Thr1646Ile (NM_001256469.2, NM_001370139.1, NM_001370140.1 and 2 more transcripts); c.4775C>T, p.Thr1592Ile (NM_001370132.1); c.4124C>T, p.Thr1375Ile (NM_001370133.1); c.3728C>T, p.Thr1243Ile (NM_001370134.1); c.3470C>T, p.Thr1157Ile (NM_001370135.1); c.5813C>T, p.Thr1938Ile (NM_001370136.1, NM_001370137.1); c.4748C>T, p.Thr1583Ile (NM_001370143.1, NM_001370144.1); short protein forms T1938I, T1755I, T1592I, T1583I, T1646I, T1157I, T1243I, T1375I.
Identifiers: ClinVar variation 450875 (VCV000450875.9), dbSNP rs376112744, ClinGen allele CA377302216.

ClinVar aggregate classification (germline): Uncertain significance. Review status: criteria provided, multiple submitters, no conflicts (2 of 4 stars). 2 submissions from 2 submitters: Uncertain significance (2). Last evaluated 2022-07-15.

Conditions:
Genitopatellar syndrome (GTPTS). Also called: Genitopatellar syndrome (GPS); ABSENT PATELLAE, SCROTAL HYPOPLASIA, RENAL ANOMALIES, FACIAL DYSMORPHISM, AND MENTAL RETARDATION. Identifiers: Orphanet 85201, MedGen C1853566, MONDO:0011640, OMIM 606170.

gnomAD v4.1: 4 of 1,613,752 alleles (0.00025%); highest among the groups gnomAD compares: African/African-American, 0.0013%; no homozygotes.

Submissions (2):

Labcorp Genetics (formerly Invitae), Labcorp
Classification: Uncertain significance for Genitopatellar syndrome. Last evaluated: 2022-07-15. Review status: criteria provided, single submitter. Criteria: Invitae Variant Classification Sherloc (09022015). Collection method: clinical testing. Allele origin: germline.
Comment: This sequence change replaces threonine, which is neutral and polar, with isoleucine, which is neutral and non-polar, at codon 1938 of the KAT6B protein (p.Thr1938Ile). This variant is not present in population databases (gnomAD no frequency). This variant has not been reported in the literature in individuals affected with KAT6B-related conditions. ClinVar contains an entry for this variant (Variation ID: 450875). Algorithms developed to predict the effect of missense changes on protein structure and function are either unavailable or do not agree on the potential impact of this missense change (SIFT: "Deleterious"; PolyPhen-2: "Benign"; Align-GVGD: "Class C0"). In summary, the available evidence is currently insufficient to determine the role of this variant in disease. Therefore, it has been classified as a Variant of Uncertain Significance.

GeneDx
Classification: Uncertain significance. Last evaluated: 2017-08-02. Review status: criteria provided, single submitter. Criteria: GeneDx Variant Classification (06012015). Collection method: clinical testing. Allele origin: germline. Affected: yes.
Comment: The T1938I variant in the KAT6B gene has not been reported previously as a pathogenic variant, nor as a benign variant, to our knowledge. The T1938I variant is not observed in large population cohorts (Lek et al., 2016; 1000 Genomes Consortium et al., 2015; Exome Variant Server). The T1938I variant is a non-conservative amino acid substitution, which is likely to impact secondary protein structure as these residues differ in polarity, charge, size and/or other properties. However, this substitution occurs at a position that is not conserved, and in silico analysis is inconsistent in its predictions as to whether or not the variant is damaging to the protein structure/function. We interpret T1938I as a variant of uncertain significance.